The following is an entry in ClinVar:

NM_000043.6(FAS):c.674C>G (p.Ser225Cys)

Gene: FAS (Fas cell surface death receptor; plus strand). Cytogenetic location: 10q23.31.
Variant type: single nucleotide variant.
Coding change: c.674C>G on transcript NM_000043.6 (MANE Select); coding-DNA position 674, C replaced by G.
Protein change: p.Ser225Cys; replaces serine 225 with cysteine.
Molecular consequence: missense variant. On other transcripts: non-coding transcript variant (7), intron variant (1).
Genome position (GRCh38, 1-based): chr10:89,013,365, C>G. VCF-style: chr10-89013365-C-G. GRCh37 (hg19) VCF-style: chr10-90773122-C-G.
Other names: c.652-754C>G (NM_152872.4); c.591C>G, p.Ile197Met (NM_001320619.2); c.611C>G, p.Ser204Cys (NM_152871.4); short protein forms S204C, S225C, I197M.
Identifiers: ClinVar variation 1471805 (VCV001471805.6), dbSNP rs1848626473, ClinGen allele CA377509460.
Genomic context (GRCh38, chr10:89,013,365, plus strand): 5'-TTATTTGTCTTTCTCTGCTTCCATTTTTTGCTTTCTAGGAAACAGTGGCAATAAATTTAT[C>G]TGGTAAGGCTTTTATCATTTTATTTCATAGAGATGGCATCCTTTAGAGTAATAGGCCAAT-3'
Protein context (NP_000034.1, residues 215-235): LNPETVAINL[Ser225Cys]DVDLSKYITT

ClinVar aggregate classification (germline): Uncertain significance (1 of 4 stars; one submission).

Conditions:
Autoimmune lymphoproliferative syndrome type 1. Also called: AUTOIMMUNE LYMPHOPROLIFERATIVE SYNDROME, TYPE I, AUTOSOMAL DOMINANT. Identifiers: Orphanet 3261, MedGen C2717884, MONDO:0011158, OMIM 601859.

Allele frequency attached by ClinVar (database versions not stated): gnomAD 0.00001; gnomAD exomes below 0.00001.
gnomAD v4.1: 2 of 1,611,522 alleles (0.00012%); highest among the groups gnomAD compares: Admixed American, 0.0033%; no homozygotes.

Submission:

Labcorp Genetics (formerly Invitae), Labcorp
Classification: Uncertain significance for Autoimmune lymphoproliferative syndrome. Last evaluated: 2024-11-27. Review status: criteria provided, single submitter. Criteria: Invitae Variant Classification Sherloc (09022015). Collection method: clinical testing. Allele origin: germline.
Comment: This sequence change replaces serine, which is neutral and polar, with cysteine, which is neutral and slightly polar, at codon 225 of the FAS protein (p.Ser225Cys). This variant is not present in population databases (gnomAD no frequency). This variant has not been reported in the literature in individuals affected with FAS-related conditions. ClinVar contains an entry for this variant (Variation ID: 1471805). An algorithm developed to predict the effect of missense changes on protein structure and function (PolyPhen-2) suggests that this variant is likely to be disruptive. Algorithms developed to predict the effect of sequence changes on RNA splicing suggest that this variant may disrupt the consensus splice site. In summary, the available evidence is currently insufficient to determine the role of this variant in disease. Therefore, it has been classified as a Variant of Uncertain Significance.